The following is an entry in ClinVar:

ClinVar aggregate classification (germline): Uncertain significance. Review status: criteria provided, multiple submitters, no conflicts (2 of 4 stars). 3 submissions from 3 submitters: Uncertain significance (3). Last evaluated 2022-10-03.

Conditions:
Diamond-Blackfan anemia. Also called: Blackfan Diamond syndrome; Aregenerative anemia chronic congenital; Red cell aplasia, pure hereditary; Congenital hypoplastic anemia; Aase syndrome. Identifiers: Orphanet 124, MedGen C1260899, MeSH D029503, MONDO:0015253, HP:0004810.
Diamond-Blackfan anemia 8 (DBA8). Also called: RPS7-Related Diamond-Blackfan Anemia. Identifiers: Orphanet 124, MedGen C2675511, MONDO:0012939, OMIM 612563.

Submissions (3):

Labcorp Genetics (formerly Invitae), Labcorp
Classification: Uncertain significance for Diamond-Blackfan anemia 8. Last evaluated: 2022-10-03. Review status: criteria provided, single submitter. Criteria: Invitae Variant Classification Sherloc (09022015). Collection method: clinical testing. Allele origin: germline.
Comment: This sequence change replaces leucine, which is neutral and non-polar, with histidine, which is basic and polar, at codon 180 of the RPS7 protein (p.Leu180His). In summary, the available evidence is currently insufficient to determine the role of this variant in disease. Therefore, it has been classified as a Variant of Uncertain Significance. Algorithms developed to predict the effect of missense changes on protein structure and function are either unavailable or do not agree on the potential impact of this missense change (SIFT: "Deleterious"; PolyPhen-2: "Probably Damaging"; Align-GVGD: "Class C0"). ClinVar contains an entry for this variant (Variation ID: 440245). This variant has not been reported in the literature in individuals affected with RPS7-related conditions. This variant is not present in population databases (gnomAD no frequency).

ARUP Laboratories, Molecular Genetics and Genomics, ARUP Laboratories
Classification: Uncertain significance. Last evaluated: 2017-01-18. Review status: criteria provided, single submitter. Criteria: ARUP Molecular Germline Variant Investigation Process. Collection method: clinical testing. Allele origin: germline.

Ambry Genetics
Classification: Uncertain significance for Diamond-Blackfan anemia. Last evaluated: 2016-10-14. Review status: criteria provided, single submitter. Criteria: Ambry Variant Classification Scheme 2023. Collection method: clinical testing. Allele origin: germline.
Comment: The p.L180H variant (also known as c.539T>A), located in coding exon 6 of the RPS7 gene, results from a T to A substitution at nucleotide position 539. The leucine at codon 180 is replaced by histidine, an amino acid with similar properties. This variant was not reported in population based cohorts in the following databases: Database of Single Nucleotide Polymorphisms (dbSNP), NHLBI Exome Sequencing Project (ESP), and 1000 Genomes Project. In the ESP, this variant was not observed in 6502 samples (13004 alleles) with coverage at this position. This amino acid position is highly conserved in available vertebrate species. In addition, this alteration is predicted to be deleterious by in silico analysis. Since supporting evidence is limited at this time, the clinical significance of this alteration remains unclear.

NM_001011.4(RPS7):c.539T>A (p.Leu180His)

Gene: RPS7 (ribosomal protein S7; plus strand). Cytogenetic location: 2p25.3.
Variant type: single nucleotide variant.
Coding change: c.539T>A on transcript NM_001011.4 (MANE Select); coding-DNA position 539, T replaced by A.
Protein change: p.Leu180His; replaces leucine 180 with histidine.
Molecular consequence: missense variant.
Genome position (GRCh38, 1-based): chr2:3,580,836, T>A. VCF-style: chr2-3580836-T-A. GRCh37 (hg19) VCF-style: chr2-3628426-T-A.
Other names: c.539T>A, p.Leu180His (LRG_1148t1); short protein forms L180H.
Identifiers: ClinVar variation 440245 (VCV000440245.15), dbSNP rs1553343210, ClinGen allele CA345743873.
Genomic context (GRCh38, chr2:3,580,836, plus strand): 5'-TCTGTGATGAATTCTTTCTTTTCTTGTAGGTTGAAACTTTTTCTGGTGTCTATAAGAAGC[T>A]CACGGGCAAGGATGTTAATTTTGAATTCCCAGAGTTTCAATTGTAAACAAAAATGACTAA-3'
Protein context (NP_001002.1, residues 170-190): VETFSGVYKK[Leu180His]TGKDVNFEFP